The following is an entry in ClinVar:

ClinVar aggregate classification (germline): Benign. Review status: criteria provided, single submitter (1 of 4 stars). 2 submissions from 1 submitter: Benign (2). Last evaluated 2018-01-12.

Conditions:
Arterial calcification, generalized, of infancy, 1 (GACI1). Also called: Idiopathic Infantile Arterial Calcification. Identifiers: Orphanet 51608, MedGen C4551985, MONDO:0008817, OMIM 208000.
Hypophosphatemic rickets, autosomal recessive, 2 (ARHR2). Identifiers: Orphanet 289176, MedGen C2750078, MONDO:0013219, OMIM 613312.

Allele frequency attached by ClinVar (database versions not stated): 1000 Genomes Project 0.11721; gnomAD 0.11907 and 0.12565; 1000 Genomes Project 30x 0.12242; TOPMed 0.13047.

Submissions (2):

Illumina Laboratory Services, Illumina
Classification: Benign for Hypophosphatemic rickets, autosomal recessive, 2. Last evaluated: 2018-01-12. Review status: criteria provided, single submitter. Criteria: ICSL Variant Classification Criteria 13 December 2019. Collection method: clinical testing. Allele origin: germline.
Comment: This variant was observed in the ICSL laboratory as part of a predisposition screen in an ostensibly healthy population. It had not been previously curated by ICSL or reported in the Human Gene Mutation Database (HGMD: prior to June 1st, 2018), and was therefore a candidate for classification through an automated scoring system. Utilizing variant allele frequency, disease prevalence and penetrance estimates, and inheritance mode, an automated score was calculated to assess if this variant is too frequent to cause the disease. Based on the score and internal cut-off values, a variant classified as benign is not then subjected to further curation. The score for this variant resulted in a classification of benign for this disease.

Illumina Laboratory Services, Illumina
Classification: Benign for Arterial calcification, generalized, of infancy, 1. Last evaluated: 2018-01-12. Review status: criteria provided, single submitter. Criteria: ICSL Variant Classification Criteria 13 December 2019. Collection method: clinical testing. Allele origin: germline.
Comment: the same text as in the submission from Illumina Laboratory Services, Illumina above.

NM_006208.3(ENPP1):c.*1350G>A

Gene: ENPP1 (ectonucleotide pyrophosphatase/phosphodiesterase 1; plus strand). Cytogenetic location: 6q23.2.
Variant type: single nucleotide variant.
Coding change: c.*1350G>A on transcript NM_006208.3 (MANE Select); 1350 bases downstream of the stop codon, G replaced by A.
Molecular consequence: 3 prime UTR variant.
Genome position (GRCh38, 1-based): chr6:131,891,861, G>A. VCF-style: chr6-131891861-G-A. GRCh37 (hg19) VCF-style: chr6-132213001-G-A.
Identifiers: ClinVar variation 355391 (VCV000355391.5), dbSNP rs9493120, ClinGen allele CA10625967.